The following is an entry in ClinVar:

NC_000006.11:g.(?_162475103)_(162475226_?)del

Gene: PRKN (parkin RBR E3 ubiquitin protein ligase; minus strand). Cytogenetic location: 6q26.
Variant type: Deletion.
Identifiers: ClinVar variation 3246178 (VCV003246178.1).

ClinVar aggregate classification (germline): Pathogenic (1 of 4 stars; one submission).

Submission:

Labcorp Genetics (formerly Invitae), Labcorp
Classification: Pathogenic. Last evaluated: 2023-05-29. Review status: criteria provided, single submitter. Criteria: Invitae Variant Classification Sherloc (09022015). Collection method: clinical testing. Allele origin: unknown.
Comment: For these reasons, this variant has been classified as Pathogenic. A similar copy number variant has been observed in individuals with autosomal recessive early-onset Parkinson's disease and autism (PMID: 9851438, 19715670, 24677602, 24781841, 27042285). This variant is a gross deletion of the genomic region encompassing exon(s) 5 of the PRKN gene. This variant would be expected to be in-frame, preserving the integrity of the reading frame.

Literature cited by the submitters: PubMed 9851438; PubMed 19715670; PubMed 24677602; PubMed 24781841; PubMed 27042285.